The following is an entry in ClinVar:

NM_170606.3(KMT2C):c.12226A>G (p.Arg4076Gly)

Gene: KMT2C (lysine methyltransferase 2C; minus strand). Cytogenetic location: 7q36.1.
Variant type: single nucleotide variant.
Coding change: c.12226A>G on transcript NM_170606.3 (MANE Select); coding-DNA position 12226, A replaced by G.
Protein change: p.Arg4076Gly; replaces arginine 4076 with glycine.
Molecular consequence: missense variant.
Genome position (GRCh38, 1-based): chr7:152,154,060, T>C on the plus strand (A>G on the coding strand, the complement: KMT2C is on the minus strand). VCF-style: chr7-152154060-T-C. GRCh37 (hg19) VCF-style: chr7-151851145-T-C.
Other names: short protein forms R4076G.
Identifiers: ClinVar variation 2499062 (VCV002499062.28), dbSNP rs2091861727, ClinGen allele CA370096004.

ClinVar aggregate classification (germline): Uncertain significance (1 of 4 stars; one submission).

Submission:

CeGaT Center for Human Genetics Tuebingen
Classification: Uncertain significance. Last evaluated: 2023-01-01. Review status: criteria provided, single submitter. Criteria: CeGaT Center For Human Genetics Tuebingen Variant Classification Criteria Version 2. Collection method: clinical testing. Allele origin: germline. Affected: yes. Observed: 1 variant allele.
Comment: KMT2C: PM2, BP1